The following is an entry in ClinVar:

NM_000038.6(APC):c.5533C>G (p.His1845Asp)

Gene: APC (APC regulator of Wnt signaling pathway; plus strand). Cytogenetic location: 5q22.2.
Variant type: single nucleotide variant.
Coding change: c.5533C>G on transcript NM_000038.6 (MANE Select); coding-DNA position 5533, C replaced by G.
Protein change: p.His1845Asp; replaces histidine 1845 with aspartic acid.
Molecular consequence: missense variant.
Genome position (GRCh38, 1-based): chr5:112,841,127, C>G. VCF-style: chr5-112841127-C-G. GRCh37 (hg19) VCF-style: chr5-112176824-C-G.
Other names: c.5533C>G, p.His1845Asp (NM_001127510.3, NM_001354895.2, NM_001407450.1); c.5479C>G, p.His1827Asp (NM_001127511.3); c.5587C>G, p.His1863Asp (NM_001354896.2, NM_001407447.1, NM_001407448.1 and 1 more transcripts); c.5563C>G, p.His1855Asp (NM_001354897.2); c.5458C>G, p.His1820Asp (NM_001354898.2); c.5449C>G, p.His1817Asp (NM_001354899.2); c.5410C>G, p.His1804Asp (NM_001354900.2); c.5356C>G, p.His1786Asp (NM_001354901.2, NM_001407453.1); and 11 more; short protein forms H1786D, H1817D, H1838D, H1855D, H1754D, H1820D, H1827D, H1835D.
Identifiers: ClinVar variation 1997838 (VCV001997838.4), dbSNP rs1060503338, ClinGen allele CA16033437.

ClinVar aggregate classification (germline): Uncertain significance (1 of 4 stars; one submission).

Conditions:
Familial adenomatous polyposis 1 (FAP1). Also called: FAMILIAL ADENOMATOUS POLYPOSIS 1, ATTENUATED; POLYPOSIS, ADENOMATOUS INTESTINAL. Identifiers: MedGen C2713442, MONDO:0021056, OMIM 175100. Disease mechanism: loss of function.

Submission:

Labcorp Genetics (formerly Invitae), Labcorp
Classification: Uncertain significance for Familial adenomatous polyposis 1. Last evaluated: 2022-08-20. Review status: criteria provided, single submitter. Criteria: Invitae Variant Classification Sherloc (09022015). Collection method: clinical testing. Allele origin: germline.
Comment: This sequence change replaces histidine, which is basic and polar, with aspartic acid, which is acidic and polar, at codon 1845 of the APC protein (p.His1845Asp). In summary, the available evidence is currently insufficient to determine the role of this variant in disease. Therefore, it has been classified as a Variant of Uncertain Significance. Algorithms developed to predict the effect of missense changes on protein structure and function are either unavailable or do not agree on the potential impact of this missense change (SIFT: "Deleterious"; PolyPhen-2: "Possibly Damaging"; Align-GVGD: "Class C0"). This variant has not been reported in the literature in individuals affected with APC-related conditions. This variant is not present in population databases (gnomAD no frequency).